The following is an entry in ClinVar:

ClinVar aggregate classification (germline): Uncertain significance (1 of 4 stars; one submission).

Submission:

Labcorp Genetics (formerly Invitae), Labcorp
Classification: Uncertain significance. Last evaluated: 2024-10-18. Review status: criteria provided, single submitter. Criteria: Invitae Variant Classification Sherloc (09022015). Collection method: clinical testing. Allele origin: germline.
Comment: This sequence change replaces asparagine, which is neutral and polar, with serine, which is neutral and polar, at codon 442 of the CTNNA1 protein (p.Asn442Ser). This variant is not present in population databases (gnomAD no frequency). This variant has not been reported in the literature in individuals affected with CTNNA1-related conditions. ClinVar contains an entry for this variant (Variation ID: 1447184). Invitae Evidence Modeling of protein sequence and biophysical properties (such as structural, functional, and spatial information, amino acid conservation, physicochemical variation, residue mobility, and thermodynamic stability) indicates that this missense variant is not expected to disrupt CTNNA1 protein function with a negative predictive value of 80%. In summary, the available evidence is currently insufficient to determine the role of this variant in disease. Therefore, it has been classified as a Variant of Uncertain Significance.

NM_001903.5(CTNNA1):c.1325A>G (p.Asn442Ser)

Gene: CTNNA1 (catenin alpha 1; plus strand). Cytogenetic location: 5q31.2.
Variant type: single nucleotide variant.
Coding change: c.1325A>G on transcript NM_001903.5 (MANE Select); coding-DNA position 1325, A replaced by G.
Protein change: p.Asn442Ser; replaces asparagine 442 with serine.
Molecular consequence: missense variant. On other transcripts: 5 prime UTR variant (6), intron variant (3).
Genome position (GRCh38, 1-based): chr5:138,904,377, A>G. VCF-style: chr5-138904377-A-G. GRCh37 (hg19) VCF-style: chr5-138240066-A-G.
Other names: c.1325A>G, p.Asn442Ser (NM_001290307.3, NM_001323982.2, NM_001323983.1 and 2 more transcripts); c.1016A>G, p.Asn339Ser (NM_001290309.3); c.956A>G, p.Asn319Ser (NM_001290310.3); c.215A>G, p.Asn72Ser (NM_001290312.1, NM_001323987.1, NM_001323988.1 and 17 more transcripts); c.-183A>G (NM_001324006.1, NM_001324007.1, NM_001324008.1 and 1 more transcripts); c.-29A>G (NM_001324012.1, NM_001324013.1); c.1297-13365A>G (NM_001323986.2); c.187-13365A>G (NM_001324011.1); and 1 more; short protein forms N339S, N319S, N72S, N442S.
Identifiers: ClinVar variation 1447184 (VCV001447184.6), dbSNP rs1758713190, ClinGen allele CA361135918.
Genomic context (GRCh38, chr5:138,904,377, plus strand): 5'-AAATCTTTAAAGATTATTTTTTATGTTTATAGGTTGCCAACTTGGCCTGTTCCATCTCAA[A>G]TAATGAAGAAGGTGTAAAGCTTGTTCGAATGTCTGCAAGCCAGTTAGAAGCCCTCTGTCC-3'
Protein context (NP_001894.2, residues 432-452): EVANLACSIS[Asn442Ser]NEEGVKLVRM